The following is an entry in ClinVar:

ClinVar aggregate classification (germline): Uncertain significance (1 of 4 stars; one submission).

Conditions:
Mowat-Wilson syndrome (MOWS). Also called: Classic Mowat-Wilson Syndrome. Identifiers: Orphanet 2152, MedGen C1856113, MONDO:0009341, OMIM 235730.

Submission:

Labcorp Genetics (formerly Invitae), Labcorp
Classification: Uncertain significance for Mowat-Wilson syndrome. Last evaluated: 2024-01-04. Review status: criteria provided, single submitter. Criteria: Invitae Variant Classification Sherloc (09022015). Collection method: clinical testing. Allele origin: germline.
Comment: This sequence change replaces threonine, which is neutral and polar, with isoleucine, which is neutral and non-polar, at codon 1117 of the ZEB2 protein (p.Thr1117Ile). This variant is not present in population databases (gnomAD no frequency). This variant has not been reported in the literature in individuals affected with ZEB2-related conditions. Advanced modeling of protein sequence and biophysical properties (such as structural, functional, and spatial information, amino acid conservation, physicochemical variation, residue mobility, and thermodynamic stability) performed at Invitae indicates that this missense variant is not expected to disrupt ZEB2 protein function with a negative predictive value of 80%. In summary, the available evidence is currently insufficient to determine the role of this variant in disease. Therefore, it has been classified as a Variant of Uncertain Significance.

NM_014795.4(ZEB2):c.3350C>T (p.Thr1117Ile)

Gene: ZEB2 (zinc finger E-box binding homeobox 2; minus strand). Cytogenetic location: 2q22.3.
Variant type: single nucleotide variant.
Coding change: c.3350C>T on transcript NM_014795.4 (MANE Select); coding-DNA position 3350, C replaced by T.
Protein change: p.Thr1117Ile; replaces threonine 1117 with isoleucine.
Molecular consequence: missense variant.
Genome position (GRCh38, 1-based): chr2:144,389,746, G>A on the plus strand (C>T on the coding strand, the complement: ZEB2 is on the minus strand). VCF-style: chr2-144389746-G-A. GRCh37 (hg19) VCF-style: chr2-145147313-G-A.
Other names: c.3278C>T, p.Thr1093Ile (NM_001171653.2); short protein forms T1117I, T1093I.
Identifiers: ClinVar variation 2897068 (VCV002897068.2), dbSNP rs1703130056, ClinGen allele CA348699535.